The following is an entry in ClinVar:

ClinVar aggregate classification (germline): Uncertain significance (1 of 4 stars; one submission).

Conditions:
DNAJC13-related disorder. Also called: DNAJC13-related condition.

Allele frequency attached by ClinVar (database versions not stated): gnomAD 0.00001.

Submission:

PreventionGenetics, part of Exact Sciences
Classification: Uncertain significance for DNAJC13-related condition. Last evaluated: 2022-09-24. Review status: criteria provided, single submitter. Criteria: ACMG Guidelines, 2015. Collection method: clinical testing. Allele origin: germline.
Comment: The DNAJC13 c.5071A>G variant is predicted to result in the amino acid substitution p.Ile1691Val. To our knowledge, this variant has not been reported in the literature or in a large population database, indicating this variant is rare. At this time, the clinical significance of this variant is uncertain due to the absence of conclusive functional and genetic evidence.

NM_015268.4(DNAJC13):c.5071A>G (p.Ile1691Val)

Gene: DNAJC13 (DnaJ heat shock protein family (Hsp40) member C13; plus strand). Cytogenetic location: 3q22.1.
Variant type: single nucleotide variant.
Coding change: c.5071A>G on transcript NM_015268.4 (MANE Select); coding-DNA position 5071, A replaced by G.
Protein change: p.Ile1691Val; replaces isoleucine 1691 with valine.
Molecular consequence: missense variant.
Genome position (GRCh38, 1-based): chr3:132,507,309, A>G. VCF-style: chr3-132507309-A-G. GRCh37 (hg19) VCF-style: chr3-132226153-A-G.
Other names: c.5086A>G, p.Ile1696Val (NM_001329126.2); short protein forms I1691V, I1696V.
Identifiers: ClinVar variation 2628406 (VCV002628406.1), dbSNP rs1935626364, ClinGen allele CA354560010.
Genomic context (GRCh38, chr3:132,507,309, plus strand): 5'-AAAACTTATGGATCAGAATTTGTCTACAGTGATCATGCCAAAGAACTTATTGTAGGGGAG[A>G]TTTTTGTTAGGGTGTATAATGAAGTTCCTACTTTCCAACTGGAGGTAAGCTCTCTGCTTT-3'
Protein context (NP_056083.3, residues 1681-1701): DHAKELIVGE[Ile1691Val]FVRVYNEVPT